The following is an entry in ClinVar:

NM_001009944.3(PKD1):c.1760C>T (p.Ala587Val)

Gene: PKD1 (polycystin 1, transient receptor potential channel interacting; minus strand). Cytogenetic location: 16p13.3.
Variant type: single nucleotide variant.
Coding change: c.1760C>T on transcript NM_001009944.3 (MANE Select); coding-DNA position 1760, C replaced by T.
Protein change: p.Ala587Val; replaces alanine 587 with valine.
Molecular consequence: missense variant.
Genome position (GRCh38, 1-based): chr16:2,116,081, G>A on the plus strand (C>T on the coding strand, the complement: PKD1 is on the minus strand). VCF-style: chr16-2116081-G-A. GRCh37 (hg19) VCF-style: chr16-2166082-G-A.
Other names: c.1760C>T, p.Ala587Val (NM_000296.4); short protein forms A587V.
Identifiers: ClinVar variation 1313376 (VCV001313376.2), dbSNP rs2151818122, ClinGen allele CA394391238.

ClinVar aggregate classification (germline): Uncertain significance (1 of 4 stars; one submission).

Submission:

GeneDx
Classification: Uncertain significance. Last evaluated: 2020-02-03. Review status: criteria provided, single submitter. Criteria: GeneDx Variant Classification Process June 2021. Collection method: clinical testing. Allele origin: germline. Affected: yes.
Comment: Not observed in large population cohorts (Lek et al., 2016); In silico analysis supports that this missense variant does not alter protein structure/function; Has not been previously published as pathogenic or benign to our knowledge